The following is an entry in ClinVar:

ClinVar aggregate classification (germline): Likely benign (1 of 4 stars; one submission).

gnomAD v4.1: 84 of 1,613,446 alleles (0.0052%); highest among the groups gnomAD compares: African/African-American, 0.11%; no homozygotes.

Submission:

Mayo Clinic Laboratories, Mayo Clinic
Classification: Likely benign. Last evaluated: 2025-06-09. Review status: criteria provided, single submitter. Criteria: ACMG Guidelines, 2015. Collection method: clinical testing. Allele origin: germline. Observed: 1 variant allele.
Comment: BS1, BP4, BP7

NM_004035.7(ACOX1):c.775-24A>G

Gene: ACOX1 (acyl-CoA oxidase 1; minus strand). Cytogenetic location: 17q25.1.
Variant type: single nucleotide variant.
Coding change: c.775-24A>G on transcript NM_004035.7 (MANE Select); 24 bases into the intron before coding-DNA position 775, A replaced by G.
Molecular consequence: intron variant.
Genome position (GRCh38, 1-based): chr17:75,953,644, T>C on the plus strand (A>G on the coding strand, the complement: ACOX1 is on the minus strand). VCF-style: chr17-75953644-T-C. GRCh37 (hg19) VCF-style: chr17-73949725-T-C.
Other names: p.?; c.775-24A>G (NM_007292.6); c.661-24A>G (NM_001185039.2).
Identifiers: ClinVar variation 4684250 (VCV004684250.1).